The following is an entry in ClinVar:

NM_001148.6(ANK2):c.4642C>A (p.Pro1548Thr)

Gene: ANK2 (ankyrin 2; plus strand). Cytogenetic location: 4q26.
Variant type: single nucleotide variant.
Coding change: c.4642C>A on transcript NM_001148.6 (MANE Select); coding-DNA position 4642, C replaced by A.
Protein change: p.Pro1548Thr; replaces proline 1548 with threonine.
Molecular consequence: missense variant. On other transcripts: intron variant (68).
Genome position (GRCh38, 1-based): chr4:113,353,260, C>A. VCF-style: chr4-113353260-C-A. GRCh37 (hg19) VCF-style: chr4-114274416-C-A.
Other names: c.4408C>A, p.Pro1470Thr (NM_001386142.1); c.1042C>A, p.Pro348Thr (NM_001386166.1); c.4783C>A, p.Pro1595Thr (NM_001386174.1); c.4759C>A, p.Pro1587Thr (NM_001386175.1); c.4411+3011C>A (NM_001386186.2, NM_001386148.2); c.4213+3011C>A (NM_001354269.3); c.4291+3011C>A (NM_001386187.2); c.4252+3011C>A (NM_001386147.1); and 35 more; short protein forms P1587T, P1548T, P1595T, P348T, P1470T.
Identifiers: ClinVar variation 1742118 (VCV001742118.3), dbSNP rs1211724449, ClinGen allele CA357915247.

ClinVar aggregate classification (germline): Uncertain significance. Review status: criteria provided, multiple submitters, no conflicts (2 of 4 stars). 2 submissions from 2 submitters: Uncertain significance (2). Last evaluated 2026-02-26.

Conditions:
ANK2-related disorder. Also called: ANK2-related condition.
Cardiovascular phenotype. Identifiers: MedGen CN230736.

Allele frequency attached by ClinVar (database versions not stated): gnomAD 0.00001; TOPMed 0.00001.
gnomAD v4.1: 7 of 1,613,688 alleles (0.00043%); highest among the groups gnomAD compares: African/African-American, 0.0094%; no homozygotes.

Submissions (2):

PreventionGenetics, part of Exact Sciences
Classification: Uncertain significance for ANK2-related condition. Last evaluated: 2026-02-26. Review status: criteria provided, single submitter. Criteria: ACMG Guidelines, 2015. Collection method: clinical testing. Allele origin: germline.
Comment: The ANK2 c.4642C>A variant is predicted to result in the amino acid substitution p.Pro1548Thr. To our knowledge, this variant has not been reported in the literature. This variant is reported in 0.0062% of alleles in individuals of African descent in gnomAD. At this time, the clinical significance of this variant is uncertain due to the absence of conclusive functional and genetic evidence.

Ambry Genetics
Classification: Uncertain significance for Cardiovascular phenotype. Last evaluated: 2022-04-21. Review status: criteria provided, single submitter. Criteria: Ambry Variant Classification Scheme 2023. Collection method: clinical testing. Allele origin: germline.
Comment: The p.P1548T variant (also known as c.4642C>A), located in coding exon 38 of the ANK2 gene, results from a C to A substitution at nucleotide position 4642. The proline at codon 1548 is replaced by threonine, an amino acid with highly similar properties. This amino acid position is conserved. In addition, the in silico prediction for this alteration is inconclusive. Since supporting evidence is limited at this time, the clinical significance of this alteration remains unclear.